The following is an entry in ClinVar:

NM_013245.3(VPS4A):c.120C>G (p.Leu40=)

Genes: VPS4A (vacuolar protein sorting 4 homolog A; plus strand), LOC126862382 (CDK7 strongly-dependent group 2 enhancer GRCh37_chr16:69349279-69350478; plus strand). Cytogenetic location: 16q22.1.
Variant type: single nucleotide variant.
Coding change: c.120C>G on transcript NM_013245.3 (MANE Select); coding-DNA position 120, C replaced by G.
Protein change: p.Leu40=; no amino-acid change (leucine 40 retained).
Molecular consequence: synonymous variant.
Genome position (GRCh38, 1-based): chr16:69,316,106, C>G. VCF-style: chr16-69316106-C-G. GRCh37 (hg19) VCF-style: chr16-69350009-C-G.
Identifiers: ClinVar variation 3390071 (VCV003390071.14).

ClinVar aggregate classification (germline): Likely benign (1 of 4 stars; one submission).

Submission:

CeGaT Center for Human Genetics Tuebingen
Classification: Likely benign. Last evaluated: 2024-11-01. Review status: criteria provided, single submitter. Criteria: CeGaT Center For Human Genetics Tuebingen Variant Classification Criteria Version 2. Collection method: clinical testing. Allele origin: germline. Affected: yes. Observed: 1 variant allele.
Comment: VPS4A: BP4, BP7